The following is an entry in ClinVar:

NM_001365951.3(KIF1B):c.4342A>G (p.Lys1448Glu)

Gene: KIF1B (kinesin family member 1B; plus strand). Cytogenetic location: 1p36.22.
Variant type: single nucleotide variant.
Coding change: c.4342A>G on transcript NM_001365951.3 (MANE Select); coding-DNA position 4342, A replaced by G.
Protein change: p.Lys1448Glu; replaces lysine 1448 with glutamic acid.
Molecular consequence: missense variant.
Genome position (GRCh38, 1-based): chr1:10,363,320, A>G. VCF-style: chr1-10363320-A-G. GRCh37 (hg19) VCF-style: chr1-10423378-A-G.
Other names: c.4342A>G, p.Lys1448Glu (NM_001365952.1); c.4204A>G, p.Lys1402Glu (NM_015074.3); short protein forms K1402E, K1448E.
Identifiers: ClinVar variation 4858852 (VCV004858852.1).
Genomic context (GRCh38, chr1:10,363,320, plus strand): 5'-ATTGTTTTATTTTCTTCAAATAGGAATCGAGTCACTGGCATTTACGAACTCAGCTTATGC[A>G]AAATGTCAGACACAGGTAGTCCAGGTAAGCTCTTGTGGATTGAGGAGGTGATAGTTATCT-3'
Protein context (NP_001352880.1, residues 1438-1458): VTGIYELSLC[Lys1448Glu]MSDTGSPGMQ

ClinVar aggregate classification (germline): Uncertain significance (1 of 4 stars; one submission).

Submission:

Ambry Genetics
Classification: Uncertain significance. Last evaluated: 2026-04-28. Review status: criteria provided, single submitter. Criteria: Ambry Variant Classification Scheme 2023. Collection method: clinical testing. Allele origin: germline.
Comment: The p.K1402E variant (also known as c.4204A>G), located in coding exon 38 of the KIF1B gene, results from an A to G substitution at nucleotide position 4204. The lysine at codon 1402 is replaced by glutamic acid, an amino acid with similar properties. This amino acid position is conserved. In addition, this alteration is predicted to be deleterious by in silico analysis. Based on the available evidence, the clinical significance of this variant remains unclear.